The following continues an entry in ClinVar:

NM_000059.4(BRCA2):c.2803G>C (p.Asp935His)

Gene: BRCA2. ClinVar aggregate classification (germline): Benign. Benign (1).

Submissions 14 to 24 of 24:

CHEO Genetics Diagnostic Laboratory, Children's Hospital of Eastern Ontario
Classification: Uncertain significance for Breast and/or ovarian cancer. Last evaluated: 2018-05-30. Review status: criteria provided, single submitter. Criteria: ACMG Guidelines, 2015. Collection method: clinical testing. Allele origin: germline. Not counted in ClinVar's aggregate classification.

Illumina Laboratory Services, Illumina
Classification: Uncertain significance for Breast-ovarian cancer, familial, susceptibility to, 2. Last evaluated: 2018-01-25. Review status: criteria provided, single submitter. Criteria: ICSL Variant Classification Criteria 13 December 2019. Collection method: clinical testing. Allele origin: germline. Not counted in ClinVar's aggregate classification.

Illumina Laboratory Services, Illumina
Classification: Uncertain significance for Fanconi anemia complementation group D1. Last evaluated: 2018-01-25. Review status: criteria provided, single submitter. Criteria: ICSL Variant Classification Criteria 13 December 2019. Collection method: clinical testing. Allele origin: germline. Not counted in ClinVar's aggregate classification.

GeneDx
Classification: Uncertain significance. Last evaluated: 2017-07-10. Review status: criteria provided, single submitter. Criteria: GeneDx Variant Classification (06012015). Collection method: clinical testing. Allele origin: germline. Affected: yes. Not counted in ClinVar's aggregate classification.
Comment: This variant is denoted BRCA2 c.2803G>C at the cDNA level, p.Asp935His (D935H) at the protein level, and results in the change of an Aspartic Acid to a Histidine (GAT>CAT). This variant, also known as BRCA2 3031G>C using alternate nomenclature, has been observed in several individuals with a personal or family history of breast cancer, one individual with pancreatic cancer, and one individual with prostate cancer (Edwards 2003, Vogel 2007, Haffty 2009, Caux-Moncoutier 2011, Becker 2012, Hu 2015). BRCA2 Asp935His was observed at an allele frequency of 0.009% (6/66390) in individuals of European (non-Finnish) ancestry in large population cohorts (NHLBI Exome Sequencing Project, The 1000 Genomes Consortium 2015, Lek 2016). Since Aspartic Acid and Histidine differ in polarity, charge, size or other properties, this is considered a non-conservative amino acid substitution. BRCA2 Asp935His occurs at a position that is not conserved and is not located in a known functional domain. In silico analyses are inconsistent regarding the effect this variant may have on protein structure or function. Based on currently available evidence, it is unclear whether BRCA2 Asp935His is a pathogenic or benign variant. We consider it to be a variant of uncertain significance.

Ambry Genetics
Classification: Benign for Hereditary cancer-predisposing syndrome. Last evaluated: 2014-11-19. Review status: criteria provided, single submitter. Criteria: Ambry Variant Classification Scheme 2023. Collection method: clinical testing. Allele origin: germline. Not counted in ClinVar's aggregate classification.

BRCAlab, Lund University
Classification: Benign for Breast-ovarian cancer, familial, susceptibility to, 2. Last evaluated: 2020-03-02. Review status: no assertion criteria provided. Collection method: clinical testing. Allele origin: germline. Affected: yes. Not counted in ClinVar's aggregate classification.

Counsyl
Classification: Uncertain significance for Breast-ovarian cancer, familial, susceptibility to, 2. Last evaluated: 2015-12-11. Review status: no assertion criteria provided. Collection method: clinical testing. Allele origin: unknown. Not counted in ClinVar's aggregate classification.

Breast Cancer Information Core (BIC) (BRCA2)
Classification: Uncertain significance for Breast-ovarian cancer, familial 2. Last evaluated: 2002-05-29. Review status: no assertion criteria provided. Collection method: clinical testing. Allele origin: germline. Affected: yes. Observed: 6 variant alleles. Not counted in ClinVar's aggregate classification.

Clinical Genetics DNA and cytogenetics Diagnostics Lab, Erasmus MC, Erasmus Medical Center
Classification: Likely benign. Review status: no assertion criteria provided. Collection method: clinical testing. Allele origin: germline. Affected: yes. Study: VKGL Data-share Consensus. Not counted in ClinVar's aggregate classification.

Clinical Genetics Laboratory, Department of Pathology, Netherlands Cancer Institute
Classification: Benign. Review status: no assertion criteria provided. Collection method: clinical testing. Allele origin: germline. Affected: yes. Study: VKGL Data-share Consensus. Not counted in ClinVar's aggregate classification.

Department of Pathology and Laboratory Medicine, Sinai Health System
Classification: Uncertain significance for Malignant tumor of breast. Review status: no assertion criteria provided. Collection method: clinical testing. Allele origin: unknown. Affected: yes. Observed: 3 variant alleles. Study: The Canadian Open Genetics Repository (COGR). Not counted in ClinVar's aggregate classification.
Comment: the BRCA2 p.Asp935His variant was identified in 5 of 4466 proband chromosomes (frequency: 0.001) from individuals or families with a history of breast, ovarian, and prostate cancer and was not identified in 158 control chromosomes from healthy individuals (Vogel 2007, Becker 2012, Caux-Moncoutier 2011, Edwards 2003, Haffty 2009). The variant was also identified in the following databases: dbSNP (ID: rs28897716) as "With Uncertain significance,other allele", ClinVar (4x uncertain significance, 1x benign), Clinvitae, LOVD 3.0 (2x), UMD-LSDB (16x, unclassified/unknown variant), and the BIC Database (6x, clinical importance unknown). The variant was not identified in Cosmic, MutDB, ARUP Laboratories, or the Zhejiang Colon Cancer Database. The variant was identified in control databases in 14 of 245782 chromosomes at a frequency of 0.00006 (Genome Aggregation Database Feb 27, 2017). Breakdown of the observations by population include Other in 1 of 5468 chromosomes (freq: 0.0002) and European in 13 of 111404 chromosomes (freq: 0.0001), while the variant was not observed in the African, Latino, Ashkenazi Jewish, East Asian, Finnish, or South Asian populations. The p.Asp935 residue is not conserved in mammals and computational analyses (PolyPhen-2, SIFT, AlignGVGD, BLOSUM, MutationTaster) do not suggest a high likelihood of impact to the protein; however, this information is not predictive enough to rule out pathogenicity. The variant occurs outside of the splicing consensus sequence and 3 of 5 in silico or computational prediction software programs (SpliceSiteFinder, MaxEntScan, NNSPLICE, GeneSplicer, HumanSpliceFinder) predict a greater than 10% difference in splicing. However, this information is not predictive enough to assume pathogenicity. In summary, based on the above information the clinical significance of this variant cannot be determined with certainty at this time. This variant is classified as a variant of uncertain significance.

Literature cited by the submitters: PubMed 31131967 (cited by 3 submitters); PubMed 12474142 (cited by Women's Health and Genetics/Laboratory Corporation of America, LabCorp and Quest Diagnostics Nichols Institute San Juan Capistrano); PubMed 18284688 (cited by Women's Health and Genetics/Laboratory Corporation of America, LabCorp and Quest Diagnostics Nichols Institute San Juan Capistrano); PubMed 22729890 (cited by Women's Health and Genetics/Laboratory Corporation of America, LabCorp and Quest Diagnostics Nichols Institute San Juan Capistrano); PubMed 17925560 (cited by Women's Health and Genetics/Laboratory Corporation of America, LabCorp and Quest Diagnostics Nichols Institute San Juan Capistrano); PubMed 21120943 (cited by Women's Health and Genetics/Laboratory Corporation of America, LabCorp and Quest Diagnostics Nichols Institute San Juan Capistrano); PubMed 19491284 (cited by Women's Health and Genetics/Laboratory Corporation of America, LabCorp and Quest Diagnostics Nichols Institute San Juan Capistrano); PubMed 23929434 (cited by Women's Health and Genetics/Laboratory Corporation of America, LabCorp); PubMed 25348012 (cited by Women's Health and Genetics/Laboratory Corporation of America, LabCorp); PubMed 26483394 (cited by Women's Health and Genetics/Laboratory Corporation of America, LabCorp and Quest Diagnostics Nichols Institute San Juan Capistrano); PubMed 22863191 (cited by Women's Health and Genetics/Laboratory Corporation of America, LabCorp); PubMed 31112341 (cited by Women's Health and Genetics/Laboratory Corporation of America, LabCorp); PubMed 32123317 (cited by Women's Health and Genetics/Laboratory Corporation of America, LabCorp); PubMed 33471991 (cited by Women's Health and Genetics/Laboratory Corporation of America, LabCorp and Quest Diagnostics Nichols Institute San Juan Capistrano); PubMed 33606809 (cited by Women's Health and Genetics/Laboratory Corporation of America, LabCorp); PubMed 33978741 (cited by Women's Health and Genetics/Laboratory Corporation of America, LabCorp and Quest Diagnostics Nichols Institute San Juan Capistrano); PubMed 37922907 (cited by Quest Diagnostics Nichols Institute San Juan Capistrano).